The following is an entry in ClinVar:

ClinVar aggregate classification (germline): Benign. Review status: criteria provided, multiple submitters, no conflicts (2 of 4 stars). 3 submissions from 3 submitters: Benign (3). Last evaluated 2024-06-01.

Allele frequency attached by ClinVar (database versions not stated): ExAC 0.00113; gnomAD 0.00378 and 0.00405; TOPMed 0.00417; ESP Exome Variant Server 0.00438; 1000 Genomes Project 0.00599; 1000 Genomes Project 30x 0.00687.
gnomAD v4.1: 1,171 of 1,614,112 alleles (0.073%); highest among the groups gnomAD compares: African/African-American, 1.4%; 5 homozygotes.

Submissions (3):

CeGaT Center for Human Genetics Tuebingen
Classification: Benign. Last evaluated: 2024-06-01. Review status: criteria provided, single submitter. Criteria: CeGaT Center For Human Genetics Tuebingen Variant Classification Criteria Version 2. Collection method: clinical testing. Allele origin: germline. Affected: yes. Observed: 1 variant allele.
Comment: SLC5A6: BP4, BP7, BS1, BS2

Labcorp Genetics (formerly Invitae), Labcorp
Classification: Benign. Last evaluated: 2018-04-05. Review status: criteria provided, single submitter. Criteria: Invitae Variant Classification Sherloc (09022015). Collection method: clinical testing. Allele origin: germline.

Breakthrough Genomics
Classification: Benign. Review status: criteria provided, single submitter. Criteria: ACMG Guidelines, 2015. Collection method: not provided. Allele origin: germline. Inheritance: Autosomal recessive inheritance. Affected: yes.

NM_021095.4(SLC5A6):c.1425C>T (p.Ile475=)

Gene: SLC5A6 (solute carrier family 5 member 6; minus strand). Cytogenetic location: 2p23.3.
Variant type: single nucleotide variant.
Coding change: c.1425C>T on transcript NM_021095.4 (MANE Select); coding-DNA position 1425, C replaced by T.
Protein change: p.Ile475=; no amino-acid change (isoleucine 475 retained).
Molecular consequence: synonymous variant. On other transcripts: non-coding transcript variant (1).
Genome position (GRCh38, 1-based): chr2:27,201,785, G>A on the plus strand (C>T on the coding strand, the complement: SLC5A6 is on the minus strand). VCF-style: chr2-27201785-G-A. GRCh37 (hg19) VCF-style: chr2-27424653-G-A.
Identifiers: ClinVar variation 716281 (VCV000716281.22), dbSNP rs61360024, ClinGen allele CA1571470.